The following is an entry in ClinVar:

ClinVar aggregate classification (germline): Uncertain significance (1 of 4 stars; one submission).

Conditions:
Idiopathic generalized epilepsy. Also called: EIG; Generalised epilepsy. Identifiers: MedGen C0270850, MONDO:0005579, OMIM 600669.
Hyperaldosteronism, familial, type IV (HALD4). Also called: FH IV; ALDOSTERONISM, PRIMARY, AND HYPERTENSION. Identifiers: Orphanet 642671, MedGen C4310756, MONDO:0014875, OMIM 617027.

Submission:

Labcorp Genetics (formerly Invitae), Labcorp
Classification: Uncertain significance for Idiopathic generalized epilepsy; Hyperaldosteronism, familial, type IV. Last evaluated: 2024-12-03. Review status: criteria provided, single submitter. Criteria: Invitae Variant Classification Sherloc (09022015). Collection method: clinical testing. Allele origin: germline.
Comment: This sequence change replaces valine, which is neutral and non-polar, with alanine, which is neutral and non-polar, at codon 1768 of the CACNA1H protein (p.Val1768Ala). This variant is present in population databases (no rsID available, gnomAD 0.007%). This variant has not been reported in the literature in individuals affected with CACNA1H-related conditions. Invitae Evidence Modeling of protein sequence and biophysical properties (such as structural, functional, and spatial information, amino acid conservation, physicochemical variation, residue mobility, and thermodynamic stability) indicates that this missense variant is expected to disrupt CACNA1H protein function with a positive predictive value of 80%. In summary, the available evidence is currently insufficient to determine the role of this variant in disease. Therefore, it has been classified as a Variant of Uncertain Significance.

NM_021098.3(CACNA1H):c.5303T>C (p.Val1768Ala)

Gene: CACNA1H (calcium voltage-gated channel subunit alpha1 H; plus strand). Cytogenetic location: 16p13.3.
Variant type: single nucleotide variant.
Coding change: c.5303T>C on transcript NM_021098.3 (MANE Select); coding-DNA position 5303, T replaced by C.
Protein change: p.Val1768Ala; replaces valine 1768 with alanine.
Molecular consequence: missense variant.
Genome position (GRCh38, 1-based): chr16:1,216,990, T>C. VCF-style: chr16-1216990-T-C. GRCh37 (hg19) VCF-style: chr16-1266990-T-C.
Other names: c.5285T>C, p.Val1762Ala (NM_001005407.2); short protein forms V1762A, V1768A.
Identifiers: ClinVar variation 3758203 (VCV003758203.2).